The following is an entry in ClinVar:

ClinVar aggregate classification (germline): Pathogenic (1 of 4 stars; one submission).

Submission:

Labcorp Genetics (formerly Invitae), Labcorp
Classification: Pathogenic. Last evaluated: 2020-04-09. Review status: criteria provided, single submitter. Criteria: Invitae Variant Classification Sherloc (09022015). Collection method: clinical testing. Allele origin: germline.
Comment: A gross deletion of the genomic region encompassing the full coding sequence of the TPP1 gene has been identified. The boundaries of this event are unknown as the deletion extends beyond the assayed region for this gene and therefore may encompass additional genes. This variant has not been reported in the literature in individuals with TPP1-related conditions. Loss-of-function variants in TPP1 are known to be pathogenic (PMID: 10330339). For these reasons, this variant has been classified as Pathogenic.

Literature cited by the submitters: PubMed 10330339.

NC_000011.9:g.(?_6559613)_(6640631_?)del

Genes: DNHD1 (dynein heavy chain domain 1; plus strand), ILK (integrin linked kinase; plus strand), RRP8 (ribosomal RNA processing 8; minus strand), TAF10 (TATA-box binding protein associated factor 10; minus strand), TPP1 (tripeptidyl peptidase 1; minus strand). Cytogenetic location: 11p15.4.
Variant type: Deletion.
Identifiers: ClinVar variation 1073290 (VCV001073290.4).